The following is an entry in ClinVar:

NM_003500.4(ACOX2):c.1347-1G>C

Gene: ACOX2 (acyl-CoA oxidase 2; minus strand). Cytogenetic location: 3p14.3.
Variant type: single nucleotide variant.
Coding change: c.1347-1G>C on transcript NM_003500.4 (MANE Select); the canonical splice acceptor site of the intron before coding-DNA position 1347, G replaced by C.
Molecular consequence: splice acceptor variant.
Genome position (GRCh38, 1-based): chr3:58,524,606, C>G on the plus strand (G>C on the coding strand, the complement: ACOX2 is on the minus strand). VCF-style: chr3-58524606-C-G. GRCh37 (hg19) VCF-style: chr3-58510333-C-G.
Identifiers: ClinVar variation 4997100 (VCV004997100.1).

ClinVar aggregate classification (germline): Uncertain significance (1 of 4 stars; one submission).

Conditions:
ACOX2-related disorder. Also called: ACOX2-related condition.

Submission:

PreventionGenetics, part of Exact Sciences
Classification: Uncertain significance for ACOX2-related condition. Last evaluated: 2026-09-21. Review status: criteria provided, single submitter. Criteria: ACMG Guidelines, 2015. Collection method: clinical testing. Allele origin: germline.
Comment: The ACOX2 c.1347-1G>C variant is predicted to disrupt the AG splice acceptor site and interfere with normal splicing. However, the use of computer prediction programs is not equivalent to functional evidence. To our knowledge, this variant has not been reported in the literature or in a large population database (gnomAD), indicating this variant is rare. Although we suspect that this variant may be pathogenic, at this time, the clinical significance of this variant is uncertain due to the absence of conclusive functional and genetic evidence.